The following is an entry in ClinVar:

NM_000138.5(FBN1):c.4312A>G (p.Ser1438Gly)

Genes: FBN1 (fibrillin 1; minus strand), LOC126862124 (CDK7 strongly-dependent group 2 enhancer GRCh37_chr15:48764566-48765765; plus strand). Cytogenetic location: 15q21.1.
Variant type: single nucleotide variant.
Coding change: c.4312A>G on transcript NM_000138.5 (MANE Select); coding-DNA position 4312, A replaced by G.
Protein change: p.Ser1438Gly; replaces serine 1438 with glycine.
Molecular consequence: missense variant.
Genome position (GRCh38, 1-based): chr15:48,472,575, T>C on the plus strand (A>G on the coding strand, the complement: FBN1 is on the minus strand). VCF-style: chr15-48472575-T-C. GRCh37 (hg19) VCF-style: chr15-48764772-T-C.
Other names: short protein forms S1438G.
Identifiers: ClinVar variation 848754 (VCV000848754.13), dbSNP rs1309215883, ClinGen allele CA392317579.
Genomic context (GRCh38, chr15:48,472,575, plus strand): 5'-CCCAGCAAGGCTCCCAGTGGCTTCCCCATCAGTTACCTTCACAGGCTTTCCCGTCAGCAC[T>C]GGGCACGAAGCCCATGTCGCATTCACAGCGGTATCCTCCTGGTGCATTGAGGCACTGGCC-3'
Protein context (NP_000129.3, residues 1428-1448): RCECDMGFVP[Ser1438Gly]ADGKACEDID

ClinVar aggregate classification (germline): Uncertain significance. Review status: criteria provided, multiple submitters, no conflicts (2 of 4 stars). 3 submissions from 3 submitters: Uncertain significance (3). Last evaluated 2026-05-18.

Conditions:
Familial thoracic aortic aneurysm and aortic dissection (TAAD). Also called: Thoracic aortic aneurysms and dissections. Identifiers: Orphanet 91387, MedGen C4707243, MONDO:0019625.
Marfan syndrome (MFS). Also called: FBN1-Related Marfan Syndrome; Marfan's syndrome; MARFAN SYNDROME, TYPE I; Marfan syndrome type 1; Marfan syndrome, classic. Identifiers: Orphanet 284963, Orphanet 558, MedGen C0024796, MONDO:0007947, OMIM 154700.

Allele frequency attached by ClinVar (database versions not stated): gnomAD exomes 0.00001; TOPMed 0.00001.
gnomAD v4.1: 6 of 1,613,996 alleles (0.00037%); highest among the groups gnomAD compares: Admixed American, 0.0067%; no homozygotes.

Submissions (3):

Ambry Genetics
Classification: Uncertain significance for Familial thoracic aortic aneurysm and aortic dissection. Last evaluated: 2026-05-18. Review status: criteria provided, single submitter. Criteria: Ambry Variant Classification Scheme 2023. Collection method: clinical testing. Allele origin: germline.
Comment: The p.S1438G variant (also known as c.4312A>G), located in coding exon 34 of the FBN1 gene, results from an A to G substitution at nucleotide position 4312. The serine at codon 1438 is replaced by glycine, an amino acid with similar properties. This amino acid position is conserved. In addition, the in silico prediction for this alteration is inconclusive. Based on the available evidence, the clinical significance of this variant remains unclear.

Labcorp Genetics (formerly Invitae), Labcorp
Classification: Uncertain significance for Marfan syndrome; Familial thoracic aortic aneurysm and aortic dissection. Last evaluated: 2025-12-05. Review status: criteria provided, single submitter. Criteria: Invitae Variant Classification Sherloc (09022015). Collection method: clinical testing. Allele origin: germline.
Comment: This sequence change replaces serine, which is neutral and polar, with glycine, which is neutral and non-polar, at codon 1438 of the FBN1 protein (p.Ser1438Gly). This variant is present in population databases (no rsID available, gnomAD 0.006%). This missense change has been observed in individual(s) with aortic dissection (internal data). ClinVar contains an entry for this variant (Variation ID: 848754). Invitae Evidence Modeling of protein sequence and biophysical properties (such as structural, functional, and spatial information, amino acid conservation, physicochemical variation, residue mobility, and thermodynamic stability) has been performed for this missense variant. However, the output from this modeling did not meet the statistical confidence thresholds required to predict the impact of this variant on FBN1 protein function. In summary, the available evidence is currently insufficient to determine the role of this variant in disease. Therefore, it has been classified as a Variant of Uncertain Significance.

Women's Health and Genetics/Laboratory Corporation of America, LabCorp
Classification: Uncertain significance. Last evaluated: 2020-08-31. Review status: criteria provided, single submitter. Criteria: LabCorp Variant Classification Summary - May 2015. Collection method: clinical testing. Allele origin: germline.
Comment: Variant summary: FBN1 c.4312A>G (p.Ser1438Gly) results in a non-conservative amino acid change located in the EGF-like calcium-binding domain of the encoded protein sequence. Three of five in-silico tools predict a damaging effect of the variant on protein function. The variant allele was found at a frequency of 1.2e-05 in 251370 control chromosomes (gnomAD). The available data on variant occurrences in the general population are insufficient to allow any conclusion about variant significance. To our knowledge, no occurrence of c.4312A>G in individuals affected with Marfan Syndrome and no experimental evidence demonstrating its impact on protein function have been reported. A ClinVar submitter (evaluation after 2014) cites the variant as uncertain significance. Based on the evidence outlined above, the variant was classified as uncertain significance.